The following is an entry in ClinVar:

ClinVar aggregate classification (germline): Uncertain significance (1 of 4 stars; one submission).

Conditions:
Dyskeratosis congenita, autosomal recessive 5 (DKCB5). Identifiers: MedGen C3554656, MONDO:0014076, OMIM 615190.
Pulmonary fibrosis and/or bone marrow failure, Telomere-related, 3. Also called: PULMONARY FIBROSIS AND/OR BONE MARROW FAILURE SYNDROME, TELOMERE-RELATED, 3. Identifiers: Orphanet 2032, MedGen C4225346, MONDO:0014613, OMIM 616373.

Submission:

Labcorp Genetics (formerly Invitae), Labcorp
Classification: Uncertain significance for Dyskeratosis congenita, autosomal recessive 5; Pulmonary fibrosis and/or bone marrow failure, Telomere-related, 3. Last evaluated: 2021-06-26. Review status: criteria provided, single submitter. Criteria: Invitae Variant Classification Sherloc (09022015). Collection method: clinical testing. Allele origin: germline.
Comment: In summary, the available evidence is currently insufficient to determine the role of this variant in disease. Therefore, it has been classified as a Variant of Uncertain Significance. Algorithms developed to predict the effect of sequence changes on RNA splicing suggest that this variant may create or strengthen a splice site, but this prediction has not been confirmed by published transcriptional studies. This variant has not been reported in the literature in individuals with RTEL1-related conditions. This variant is not present in population databases (ExAC no frequency). This sequence change falls in intron 6 of the RTEL1 gene. It does not directly change the encoded amino acid sequence of the RTEL1 protein.

NM_001283009.2(RTEL1):c.539-16T>A

Genes: RTEL1 (regulator of telomere elongation helicase 1; plus strand), RTEL1-TNFRSF6B (RTEL1-TNFRSF6B readthrough (NMD candidate); plus strand). Cytogenetic location: 20q13.33.
Variant type: single nucleotide variant.
Coding change: c.539-16T>A on transcript NM_001283009.2 (MANE Select); 16 bases into the intron before coding-DNA position 539, T replaced by A.
Molecular consequence: intron variant.
Genome position (GRCh38, 1-based): chr20:63,665,988, T>A. VCF-style: chr20-63665988-T-A. GRCh37 (hg19) VCF-style: chr20-62297341-T-A.
Other names: c.-131-16T>A (NM_001283010.1); c.611-16T>A (NM_032957.5); c.539-16T>A (NM_016434.4).
Identifiers: ClinVar variation 1378195 (VCV001378195.8), dbSNP rs1460115448, ClinGen allele CA2573157193.